The following is an entry in ClinVar:

ClinVar aggregate classification (germline): Uncertain significance (1 of 4 stars; one submission).

Conditions:
TTC21B-related disorder. Also called: TTC21B-related disorders; TTC21B-related condition.

gnomAD v4.1: 1 of 1,613,208 alleles (0.000062%); highest among the groups gnomAD compares: South Asian, 0.0011%; no homozygotes.

Submission:

PreventionGenetics, part of Exact Sciences
Classification: Uncertain significance for TTC21B-related condition. Last evaluated: 2025-07-20. Review status: criteria provided, single submitter. Criteria: ACMG Guidelines, 2015. Collection method: clinical testing. Allele origin: germline.
Comment: The TTC21B c.3010G>A variant is predicted to result in the amino acid substitution p.Asp1004Asn. To our knowledge, this variant has not been reported in the literature or in a large population database (gnomAD), indicating this variant is rare. At this time, the clinical significance of this variant is uncertain due to the absence of conclusive functional and genetic evidence.

NM_024753.5(TTC21B):c.3010G>A (p.Asp1004Asn)

Gene: TTC21B (tetratricopeptide repeat domain 21B; minus strand). Cytogenetic location: 2q24.3.
Variant type: single nucleotide variant.
Coding change: c.3010G>A on transcript NM_024753.5 (MANE Select); coding-DNA position 3010, G replaced by A.
Protein change: p.Asp1004Asn; replaces aspartic acid 1004 with asparagine.
Molecular consequence: missense variant.
Genome position (GRCh38, 1-based): chr2:165,890,929, C>T on the plus strand (G>A on the coding strand, the complement: TTC21B is on the minus strand). VCF-style: chr2-165890929-C-T. GRCh37 (hg19) VCF-style: chr2-166747439-C-T.
Other names: short protein forms D1004N.
Identifiers: ClinVar variation 4982464 (VCV004982464.1).